The following is an entry in ClinVar:

NM_000264.5(PTCH1):c.4180C>T (p.Arg1394Ter)

Gene: PTCH1 (patched 1; minus strand). Cytogenetic location: 9q22.32.
Variant type: single nucleotide variant.
Coding change: c.4180C>T on transcript NM_000264.5 (MANE Select); coding-DNA position 4180, C replaced by T.
Protein change: p.Arg1394Ter; replaces arginine 1394 with a stop codon.
Molecular consequence: nonsense. On other transcripts: non-coding transcript variant (1).
Genome position (GRCh38, 1-based): chr9:95,447,076, G>A on the plus strand (C>T on the coding strand, the complement: PTCH1 is on the minus strand). VCF-style: chr9-95447076-G-A. GRCh37 (hg19) VCF-style: chr9-98209358-G-A.
Other names: c.3982C>T, p.Arg1328Ter (NM_001083602.3); c.4177C>T, p.Arg1393Ter (NM_001083603.3); c.3727C>T, p.Arg1243Ter (NM_001083604.3, NM_001083605.3, NM_001083606.3 and 1 more transcripts); c.4024C>T, p.Arg1342Ter (NM_001354918.2); short protein forms R1394*, R1328*, R1342*, R1243*, R1393*.
Identifiers: ClinVar variation 579292 (VCV000579292.15), dbSNP rs1297685477, ClinGen allele CA374110169.

ClinVar aggregate classification (germline): Uncertain significance. Review status: criteria provided, multiple submitters, no conflicts (2 of 4 stars). 4 submissions from 4 submitters: Uncertain significance (4). Last evaluated 2025-12-19.

Conditions:
Gorlin syndrome. Also called: Basal cell nevus syndrome; Nevoid Basal Cell Carcinoma Syndrome. Identifiers: Orphanet 377, MedGen C0004779, MONDO:0007187.
Hereditary cancer-predisposing syndrome. Also called: Neoplastic Syndromes, Hereditary; Hereditary neoplastic syndrome; Tumor predisposition; Hereditary Cancer Syndrome. Identifiers: Orphanet 140162, MedGen C0027672, MeSH D009386, MONDO:0015356.
PTCH1-related disorder. Also called: PTCH1-related disorders; PTCH1-related condition.

Allele frequency attached by ClinVar (database versions not stated): gnomAD 0.00001; gnomAD exomes 0.00001; TOPMed 0.00001.
gnomAD v4.1: 6 of 1,613,884 alleles (0.00037%); highest among the groups gnomAD compares: Non-Finnish European, 0.00051%; no homozygotes.

Submissions (4):

Ambry Genetics
Classification: Uncertain significance for Hereditary cancer-predisposing syndrome. Last evaluated: 2025-12-19. Review status: criteria provided, single submitter. Criteria: Ambry Variant Classification Scheme 2023. Collection method: clinical testing. Allele origin: germline.
Comment: The p.R1394* variant (also known as c.4180C>T), located in coding exon 23 of the PTCH1 gene, results from a C to T substitution at nucleotide position 4180. This changes the amino acid from an arginine to a stop codon within coding exon 23. This alteration occurs at the 3' terminus of thePTCH1 gene, is not expected to trigger nonsense-mediated mRNAdecay, and only impacts the last 54 amino acids of the protein. The exact functional effect of this alteration is unknown. Based on the available evidence, the clinical significance of this variant remains unclear.

Labcorp Genetics (formerly Invitae), Labcorp
Classification: Uncertain significance for Gorlin syndrome. Last evaluated: 2025-01-12. Review status: criteria provided, single submitter. Criteria: Invitae Variant Classification Sherloc (09022015). Collection method: clinical testing. Allele origin: germline.
Comment: This sequence change creates a premature translational stop signal (p.Arg1394*) in the PTCH1 gene. While this is not anticipated to result in nonsense mediated decay, it is expected to disrupt the last 54 amino acid(s) of the PTCH1 protein. This variant is present in population databases (no rsID available, gnomAD 0.007%). This variant has not been reported in the literature in individuals affected with PTCH1-related conditions. ClinVar contains an entry for this variant (Variation ID: 579292). In summary, the available evidence is currently insufficient to determine the role of this variant in disease. Therefore, it has been classified as a Variant of Uncertain Significance.

GeneDx
Classification: Uncertain significance. Last evaluated: 2023-09-20. Review status: criteria provided, single submitter. Criteria: GeneDx Variant Classification Process June 2021. Collection method: clinical testing. Allele origin: germline. Affected: yes.
Comment: Nonsense variant in the C-terminus predicted to result in protein truncation, as the last 54 amino acids are lost, and other loss-of-function variant(s) have been reported downstream in the Human Gene Mutation Database (HGMD); Has not been previously published as pathogenic or benign to our knowledge; Not observed at significant frequency in large population cohorts (gnomAD); This variant is associated with the following publications: (PMID: 24077912)

PreventionGenetics, part of Exact Sciences
Classification: Uncertain significance for PTCH1-related condition. Last evaluated: 2023-05-16. Review status: criteria provided, single submitter. Criteria: ACMG Guidelines, 2015. Collection method: clinical testing. Allele origin: germline.
Comment: The PTCH1 c.4180C>T variant is predicted to result in premature protein termination (p.Arg1394*). This variant is expected to prevent translation of the last 54 codons, and it is not clear if nonsense-mediated decay would be triggered. To our knowledge, this variant has not been reported in the literature. This variant is reported in 0.0% of alleles in individuals of African descent in gnomAD. Although we suspect that this variant may be pathogenic, at this time, the clinical significance of this variant is uncertain due to the absence of conclusive functional and genetic evidence.